The following is an entry in ClinVar:

ClinVar aggregate classification (germline): Uncertain significance (1 of 4 stars; one submission).

Submission:

ISCA site 15
Classification: Uncertain significance. Last evaluated: 2011-08-12. Review status: criteria provided, single submitter. Criteria: Kaminsky et al. (Genet Med. 2011). Collection method: clinical testing. Allele origin: unknown. Affected: yes. Observed: 1 variant allele.
Comment: Copy number variation identified through the course of routine clinical cytogenomic testing in postnatal populations. Clinical assertions have been curated as described in Kaminsky et al. 2011.

GRCh38/hg38 Xq21.31-21.32(chrX:92173555-93122179)x3

Genes: PCDH11X (protocadherin 11 X-linked; plus strand), LOC125467767 (Sharpr-MPRA regulatory region 5624; plus strand). Cytogenetic location: Xq21.31-21.32.
Variant type: copy number gain.
Change: copy number 3 of chrX:92,173,555-93,122,179 (948.6 kb, GRCh38 coordinates, 1-based), cytogenetic band Xq21.31-21.32.
Identifiers: ClinVar variation 60339 (VCV000060339.1).